The following is an entry in ClinVar:

NM_000195.5(HPS1):c.1397+135C>T

Gene: HPS1 (HPS1 biogenesis of lysosomal organelles complex 3 subunit 1; minus strand). Cytogenetic location: 10q24.2.
Variant type: single nucleotide variant.
Coding change: c.1397+135C>T on transcript NM_000195.5 (MANE Select); 135 bases into the intron after coding-DNA position 1397, C replaced by T.
Molecular consequence: intron variant.
Genome position (GRCh38, 1-based): chr10:98,424,178, G>A on the plus strand (C>T on the coding strand, the complement: HPS1 is on the minus strand). VCF-style: chr10-98424178-G-A. GRCh37 (hg19) VCF-style: chr10-100183935-G-A.
Other names: c.1028+135C>T (NM_001322483.2, NM_001322484.2); c.1136+135C>T (NM_001322480.2, NM_001322481.2); c.1298+135C>T (NM_001322478.2, NM_001322479.2); c.1397+135C>T (NM_001322476.2, NM_001322477.2); c.929+135C>T (NM_001322485.2); c.1037+135C>T (NM_001322482.2); c.425+135C>T (NM_001322489.2, NM_001311345.2, NM_001322487.2).
Identifiers: ClinVar variation 4077138 (VCV004077138.1).

ClinVar aggregate classification (germline): Pathogenic (1 of 4 stars; one submission).

Conditions:
Hermansky-Pudlak syndrome 1 (HPS1). Also called: DELTA STORAGE POOL DISEASE. Identifiers: Orphanet 231500, Orphanet 79430, MedGen C2931875, MONDO:0008748, OMIM 203300.

gnomAD v4.1: 17 of 790,226 alleles (0.0022%); highest among the groups gnomAD compares: Non-Finnish European, 0.0037%; no homozygotes.

Submission:

Laboratory of Genetic Epidemiology, Research Centre for Medical Genetics
Classification: Pathogenic for Hermansky-Pudlak syndrome 1. Last evaluated: 2025-01-01. Review status: criteria provided, single submitter. Criteria: ACMG Guidelines, 2015. Collection method: clinical testing. Allele origin: maternal. Inheritance: Autosomal recessive inheritance. Affected: yes. Observed: 1 compound heterozygote.
Comment: This variant has not been previously reported in the literature and is listed in gnomAD v2.1.1 with allele frequency 0.00006 in Europe (4/68032), none in homozygous state. The intronic variant NM_000195.5:c.1397+135C>T led to the activation of a pseudoexon 14a, the inclusion of which results in a frameshift and the creation of a premature stop codon p.(Glu466Aspfs27) (or p.(Ser459Thrfs1) when using the alternative donor site) (PMID: 39457042). Taken together, the variant meets the following ACMG/AMP criteria and can be classified as pathogenic with PM2, PVS1, PM3, PP4 criteria.

Literature cited by the submitters: PubMed 39457042; PubMed 41428507.